The following is an entry in ClinVar:

NM_000368.5(TSC1):c.536A>C (p.His179Pro)

Gene: TSC1 (TSC complex subunit 1; minus strand). Cytogenetic location: 9q34.13.
Variant type: single nucleotide variant.
Coding change: c.536A>C on transcript NM_000368.5 (MANE Select); coding-DNA position 536, A replaced by C.
Protein change: p.His179Pro; replaces histidine 179 with proline.
Molecular consequence: missense variant. On other transcripts: 5 prime UTR variant (5), non-coding transcript variant (5).
Genome position (GRCh38, 1-based): chr9:132,921,946, T>G on the plus strand (A>C on the coding strand, the complement: TSC1 is on the minus strand). VCF-style: chr9-132921946-T-G. GRCh37 (hg19) VCF-style: chr9-135797333-T-G.
Other names: c.536A>C, p.His179Pro (NM_001406604.1, NM_001406605.1, NM_001406606.1 and 16 more transcripts); c.383A>C, p.His128Pro (NM_001406610.1, NM_001406611.1, NM_001406612.1 and 2 more transcripts); c.173A>C, p.His58Pro (NM_001406623.1, NM_001406624.1, NM_001406625.1 and 10 more transcripts); c.-342A>C (NM_001406626.1, NM_001406627.1, NM_001406628.1); c.-484A>C (NM_001406629.1); c.-558A>C (NM_001406630.1); short protein forms H128P, H179P, H58P.
Identifiers: ClinVar variation 4810373 (VCV004810373.1).
Genomic context (GRCh38, chr9:132,921,946, plus strand): 5'-AAGTTGCAAGGGTACATTCCATAAAGGCGATGAAAGAGTGCGTACACACTGGCATGGAGA[T>G]GGACGAGATAGACTTCCGCCACGTGGCCTAGAAAAGGAACCCGTTGAGAAGAGCCTCTTA-3'
Protein context (NP_000359.1, residues 169-189): PGHVAEVYLV[His179Pro]LHASVYALFH

ClinVar aggregate classification (germline): Uncertain significance (1 of 4 stars; one submission).

Conditions:
Tuberous sclerosis 1 (TSC1). Identifiers: Orphanet 805, MedGen C1854465, MONDO:0008612, OMIM 191100.

Submission:

Labcorp Genetics (formerly Invitae), Labcorp
Classification: Uncertain significance for Tuberous sclerosis 1. Last evaluated: 2025-10-18. Review status: criteria provided, single submitter. Criteria: Invitae Variant Classification Sherloc (09022015). Collection method: clinical testing. Allele origin: germline.
Comment: This sequence change replaces histidine, which is basic and polar, with proline, which is neutral and non-polar, at codon 179 of the TSC1 protein (p.His179Pro). This variant is not present in population databases (gnomAD no frequency). This variant has not been reported in the literature in individuals affected with TSC1-related conditions. Invitae Evidence Modeling of protein sequence and biophysical properties (such as structural, functional, and spatial information, amino acid conservation, physicochemical variation, residue mobility, and thermodynamic stability) has been performed for this missense variant. However, the output from this modeling did not meet the statistical confidence thresholds required to predict the impact of this variant on TSC1 protein function. In summary, the available evidence is currently insufficient to determine the role of this variant in disease. Therefore, it has been classified as a Variant of Uncertain Significance.